The following is an entry in ClinVar:

NM_206933.4(USH2A):c.3934del (p.Ala1312fs)

Genes: USH2A (usherin; minus strand), USH2A-AS1 (USH2A antisense RNA 1; plus strand). Cytogenetic location: 1q41.
Variant type: Deletion.
Coding change: c.3934del on transcript NM_206933.4 (MANE Select); coding-DNA position 3934, one base deleted (G; older notation c.3934delG).
Protein change: p.Ala1312fs; shifts the reading frame from alanine 1312.
Molecular consequence: frameshift variant.
Genome position (GRCh38, 1-based): chr1:216,198,462, C deleted on the plus strand (G on the coding strand, the reverse complement: USH2A is on the minus strand); the first of 2 consecutive C bases (chr1:216,198,462-216,198,463); deleting either gives the same sequence. VCF-style (leftmost placement, unchanged base first): chr1-216198461-GC-G. GRCh37 (hg19) VCF-style: chr1-216371803-GC-G.
Other names: c.3934del, p.Ala1312fs (NM_007123.6); c.3934delG (NM_206933.4); short protein forms A1312fs.
Identifiers: ClinVar variation 1675185 (VCV001675185.3), dbSNP rs2102464166, ClinGen allele CA2573132007.

ClinVar aggregate classification (germline): Pathogenic/Likely pathogenic. Review status: criteria provided, multiple submitters, no conflicts (2 of 4 stars). 2 submissions from 2 submitters: Pathogenic (1); Likely pathogenic (1). Last evaluated 2023-10-01.

Conditions:
Retinal dystrophy. Also called: Inherited retinal dystrophy. Identifiers: Orphanet 71862, MedGen C0854723, MeSH D058499, MONDO:0019118, HP:0000556.
Usher syndrome type 2A. Also called: USHER SYNDROME, TYPE IIA; RETINAL DISEASE IN USHER SYNDROME TYPE IIA, MODIFIER OF. Identifiers: Orphanet 231178, Orphanet 886, MedGen C1848634, MONDO:0010169, OMIM 276901.

Submissions (2):

Dept Of Ophthalmology, Nagoya University
Classification: Likely pathogenic for Retinal dystrophy. Last evaluated: 2023-10-01. Review status: criteria provided, single submitter. Criteria: Submitter's publication. Collection method: research. Allele origin: germline. Affected: yes.

Centre of Medical Genetics, University Hospital Muenster
Classification: Pathogenic for Usher syndrome type 2A. Last evaluated: 2020-10-05. Review status: criteria provided, single submitter. Criteria: ACMG Guidelines, 2015. Collection method: clinical testing. Allele origin: germline. Affected: yes. Observed: 1 variant allele, 1 homozygote.
Comment: ACMG categories: PVS1,PS5,PM2